The following is an entry in ClinVar:

ClinVar aggregate classification (germline): Uncertain significance. Review status: criteria provided, multiple submitters, no conflicts (2 of 4 stars). 2 submissions from 2 submitters: Uncertain significance (2). Last evaluated 2022-07-30.

Conditions:
MEGF10-related myopathy (CMYO10A). Also called: Congenital myopathy 10A, severe variant. Identifiers: Orphanet 439212, MedGen C3280679, MONDO:0013731, OMIM 614399.

Allele frequency attached by ClinVar (database versions not stated): gnomAD exomes below 0.00001; TOPMed below 0.00001.
gnomAD v4.1: 1 of 1,614,128 alleles (0.000062%); highest among the groups gnomAD compares: Non-Finnish European, 0.000085%; no homozygotes.

Submissions (2):

Labcorp Genetics (formerly Invitae), Labcorp
Classification: Uncertain significance for MEGF10-related myopathy. Last evaluated: 2022-07-30. Review status: criteria provided, single submitter. Criteria: Invitae Variant Classification Sherloc (09022015). Collection method: clinical testing. Allele origin: germline.
Comment: This sequence change replaces tyrosine, which is neutral and polar, with histidine, which is basic and polar, at codon 1111 of the MEGF10 protein (p.Tyr1111His). In summary, the available evidence is currently insufficient to determine the role of this variant in disease. Therefore, it has been classified as a Variant of Uncertain Significance. Algorithms developed to predict the effect of missense changes on protein structure and function are either unavailable or do not agree on the potential impact of this missense change (SIFT: "Deleterious"; PolyPhen-2: "Probably Damaging"; Align-GVGD: "Class C0"). ClinVar contains an entry for this variant (Variation ID: 421657). This variant has not been reported in the literature in individuals affected with MEGF10-related conditions. This variant is not present in population databases (gnomAD no frequency).

GeneDx
Classification: Uncertain significance. Last evaluated: 2017-03-27. Review status: criteria provided, single submitter. Criteria: GeneDx Variant Classification (06012015). Collection method: clinical testing. Allele origin: germline. Affected: yes.
Comment: The Y1111H variant in the MEGF10 gene has not been reported previously as a pathogenic variant, nor as a benignvariant, to our knowledge. The Y1111H variant was not observed in approximately 6,500 individuals of Europeanand African American ancestry in the NHLBI Exome Sequencing Project, indicating it is not a common benignvariant in these populations. The Y1111H variant is a non-conservative amino acid substitution, which is likely toimpact secondary protein structure as these residues differ in polarity, charge, size and/or other properties. Thissubstitution occurs at a position that is conserved across species. In silico analysis predicts this variant is probablydamaging to the protein structure/function. We interpret Y1111H as a variant of uncertain significance.

NM_001256545.2(MEGF10):c.3331T>C (p.Tyr1111His)

Gene: MEGF10 (multiple EGF like domains 10; plus strand). Cytogenetic location: 5q23.2.
Variant type: single nucleotide variant.
Coding change: c.3331T>C on transcript NM_001256545.2 (MANE Select); coding-DNA position 3331, T replaced by C.
Protein change: p.Tyr1111His; replaces tyrosine 1111 with histidine.
Molecular consequence: missense variant.
Genome position (GRCh38, 1-based): chr5:127,457,226, T>C. VCF-style: chr5-127457226-T-C. GRCh37 (hg19) VCF-style: chr5-126792918-T-C.
Other names: c.3331T>C, p.Tyr1111His (NM_032446.3); short protein forms Y1111H.
Identifiers: ClinVar variation 421657 (VCV000421657.12), dbSNP rs1064795277, ClinGen allele CA16618108.